The following is an entry in ClinVar:

ClinVar aggregate classification (germline): Benign (3 of 4 stars; one submission).

Conditions:
Breast-ovarian cancer, familial, susceptibility to, 1 (BROVCA1). Also called: BRCA1 Hereditary Breast and Ovarian Cancer; OVARIAN CANCER, SUSCEPTIBILITY TO. Identifiers: Orphanet 145, MedGen C2676676, MONDO:0011450, OMIM 604370. Disease mechanism: loss of function.

Allele frequency attached by ClinVar (database versions not stated): TOPMed 0.29169; gnomAD 0.30935 and 0.31666; 1000 Genomes Project 30x 0.33510; 1000 Genomes Project 0.34265.
gnomAD v4.1: 47,042 of 148,500 alleles (32%); highest among the groups gnomAD compares: South Asian, 50%; 7,689 homozygotes.

Submission:

Evidence-based Network for the Interpretation of Germline Mutant Alleles (ENIGMA)
Classification: Benign for Breast-ovarian cancer, familial 1. Last evaluated: 2015-01-12. Review status: reviewed by expert panel. Criteria: ENIGMA BRCA1/2 Classification Criteria (2015). Collection method: curation. Allele origin: germline.
Comment: Class 1 not pathogenic based on frequency >1% in an outbred sampleset. Frequency 0.3304 (Asian), 0.2053 (African), 0.343 (European), derived from 1000 genomes (2012-04-30).

NM_007294.4(BRCA1):c.5194-426A>G

Gene: BRCA1 (BRCA1 DNA repair associated; minus strand). Cytogenetic location: 17q21.31.
Variant type: single nucleotide variant.
Coding change: c.5194-426A>G on transcript NM_007294.4 (MANE Select); 426 bases into the intron before coding-DNA position 5194, A replaced by G.
Molecular consequence: intron variant.
Genome position (GRCh38, 1-based): chr17:43,057,561, T>C on the plus strand (A>G on the coding strand, the complement: BRCA1 is on the minus strand). VCF-style: chr17-43057561-T-C. GRCh37 (hg19) VCF-style: chr17-41209578-T-C.
Other names: IVS 19-426A>G; c.5191-426A>G (NM_001407614.1, NM_001407626.1, NM_001407617.1 and 17 more transcripts); c.5257-426A>G (NM_001407587.1, NM_001407585.1, NM_007300.4 and 1 more transcripts); c.1645-426A>G (NM_001408494.1); c.1759-426A>G (NM_001408444.1, NM_001408438.1, NM_001408432.1 and 10 more transcripts); c.1762-426A>G (NM_001408430.1, NM_001408427.1, NM_001408431.1 and 4 more transcripts); c.5065-426A>G (NM_001407682.1, NM_001407689.1, NM_001407681.1 and 6 more transcripts); c.5068-426A>G (NM_001407676.1, NM_001407679.1, NM_001407670.1 and 10 more transcripts); and 73 more.
Identifiers: ClinVar variation 209291 (VCV000209291.2), dbSNP rs8176282, ClinGen allele CA276263.